The following is an entry in ClinVar:

ClinVar aggregate classification (germline): Benign. Review status: reviewed by expert panel (3 of 4 stars). 14 submissions from 13 submitters: Benign (1). 13 of the submissions do not count toward it. Last evaluated 2017-04-18.

Conditions:
Noonan syndrome and Noonan-related syndrome. Identifiers: Orphanet 98733, MedGen C5681679, MONDO:0020297.
RASopathy. Also called: rasopathies; Noonan spectrum disorder. Identifiers: Orphanet 536391, MedGen C5555857, MONDO:0021060.
Noonan syndrome 5 (NS5). Also called: RAF1-Related Noonan Syndrome. Identifiers: Orphanet 648, MedGen C1969057, MONDO:0012690, OMIM 611553. Disease mechanism: gain of function.
LEOPARD syndrome 2 (LPRD2). Also called: RAF1-Related LEOPARD Syndrome. Identifiers: Orphanet 500, MedGen C1969056, MONDO:0012691, OMIM 611554.

Allele frequency attached by ClinVar (database versions not stated): gnomAD exomes 0.00051 and 0.00132; ExAC 0.00155; ESP Exome Variant Server 0.00484; gnomAD 0.00523 and 0.00571; TOPMed 0.00595; 1000 Genomes Project 0.00619; 1000 Genomes Project 30x 0.00625.
gnomAD v4.1: 1,579 of 1,614,118 alleles (0.098%); highest among the groups gnomAD compares: African/African-American, 1.9%; 21 homozygotes.

Submissions (14):

ClinGen RASopathy Variant Curation Expert Panel
Classification: Benign for Noonan syndrome and Noonan-related syndrome. Last evaluated: 2017-04-18. Review status: reviewed by expert panel. Criteria: ClinGen RASopathy ACMG Specifications v1. Collection method: curation. Allele origin: germline. Inheritance: Autosomal dominant inheritance.
Comment: The filtering allele frequency of the c.923C>T (p.Pro308Leu) variant in the RAF1 gene is 1.516% (179/10394) of African chromosomes by the Exome Aggregation Consortium, which is a high enough frequency to be classified as benign based on thresholds defined by the ClinGen RASopathy Expert Panel (BA1; PMID:29493581)

Labcorp Genetics (formerly Invitae), Labcorp
Classification: Benign for RASopathy. Last evaluated: 2026-02-03. Review status: criteria provided, single submitter. Criteria: Invitae Variant Classification Sherloc (09022015). Collection method: clinical testing. Allele origin: germline. Not counted in ClinVar's aggregate classification.

Blueprint Genetics
Classification: Benign. Last evaluated: 2024-10-24. Review status: criteria provided, single submitter. Criteria: ACMG Guidelines, 2015. Collection method: clinical testing. Allele origin: germline. Not counted in ClinVar's aggregate classification.

ARUP Laboratories, Molecular Genetics and Genomics, ARUP Laboratories
Classification: Benign. Last evaluated: 2022-02-08. Review status: criteria provided, single submitter. Criteria: ARUP Molecular Germline Variant Investigation Process 2021. Collection method: clinical testing. Allele origin: germline. Not counted in ClinVar's aggregate classification.

Genome Diagnostics Laboratory, The Hospital for Sick Children
Classification: Benign for Noonan syndrome and Noonan-related syndrome. Last evaluated: 2018-09-01. Review status: criteria provided, single submitter. Criteria: ACMG Guidelines, 2015. Collection method: clinical testing. Allele origin: germline. Not counted in ClinVar's aggregate classification.

Molecular Diagnostic Laboratory for Inherited Cardiovascular Disease, Montreal Heart Institute
Classification: Likely benign. Last evaluated: 2017-06-03. Review status: criteria provided, single submitter. Criteria: ACMG Guidelines, 2015. Collection method: clinical testing. Allele origin: germline. Affected: yes. Not counted in ClinVar's aggregate classification.

Illumina Laboratory Services, Illumina
Classification: Likely benign for Noonan syndrome 5. Last evaluated: 2017-04-27. Review status: criteria provided, single submitter. Criteria: ICSL Variant Classification Criteria 13 December 2019. Collection method: clinical testing. Allele origin: germline. Not counted in ClinVar's aggregate classification.
Comment: This variant was observed as part of a predisposition screen in an ostensibly healthy population. A literature search was performed for the gene, cDNA change, and amino acid change (where applicable). No publications were found based on this search. Allele frequency data from public databases allowed determination this variant is unlikely to cause disease. Therefore, this variant is classified as likely benign.

Illumina Laboratory Services, Illumina
Classification: Likely benign for LEOPARD syndrome 2. Last evaluated: 2017-04-27. Review status: criteria provided, single submitter. Criteria: ICSL Variant Classification Criteria 13 December 2019. Collection method: clinical testing. Allele origin: germline. Not counted in ClinVar's aggregate classification.
Comment: the same text as in the submission from Illumina Laboratory Services, Illumina above.

GeneDx
Classification: Benign. Last evaluated: 2015-03-03. Review status: criteria provided, single submitter. Criteria: GeneDx Variant Classification Process June 2021. Collection method: clinical testing. Allele origin: germline. Affected: yes. Not counted in ClinVar's aggregate classification.

Laboratory for Molecular Medicine, Mass General Brigham Personalized Medicine
Classification: Benign. Last evaluated: 2012-04-05. Review status: criteria provided, single submitter. Criteria: LMM Criteria. Collection method: clinical testing. Allele origin: germline. Observed: 18 variant alleles. Not counted in ClinVar's aggregate classification.
Comment: Pro308Leu in exon 9 of RAF1: This variant is not expected to have clinical signi ficance because it has been identified in 1.4% (54/3738) of African American chr omosomes from a broad population by the NHLBI Exome Sequencing Project (dbSNP rs5746220).

Breakthrough Genomics
Classification: Benign. Review status: criteria provided, single submitter. Criteria: ACMG Guidelines, 2015. Collection method: not provided. Allele origin: germline. Inheritance: Autosomal dominant inheritance. Affected: yes. Not counted in ClinVar's aggregate classification.

Clinical Genetics DNA and cytogenetics Diagnostics Lab, Erasmus MC, Erasmus Medical Center
Classification: Benign. Review status: no assertion criteria provided. Collection method: clinical testing. Allele origin: germline. Affected: yes. Study: VKGL Data-share Consensus. Not counted in ClinVar's aggregate classification.

Joint Genome Diagnostic Labs from Nijmegen and Maastricht, Radboudumc and MUMC+
Classification: Benign. Review status: no assertion criteria provided. Collection method: clinical testing. Allele origin: germline. Affected: yes. Study: VKGL Data-share Consensus. Not counted in ClinVar's aggregate classification.

Laboratory of Diagnostic Genome Analysis, Leiden University Medical Center (LUMC)
Classification: Likely benign. Review status: no assertion criteria provided. Collection method: clinical testing. Allele origin: germline. Affected: yes. Study: VKGL Data-share Consensus. Not counted in ClinVar's aggregate classification.

Literature cited by the submitters: PubMed 10497893 (cited by Laboratory for Molecular Medicine, Mass General Brigham Personalized Medicine); PubMed 19723757 (cited by Laboratory for Molecular Medicine, Mass General Brigham Personalized Medicine).

NM_002880.4(RAF1):c.923C>T (p.Pro308Leu)

Gene: RAF1 (Raf-1 proto-oncogene, serine/threonine kinase; minus strand). Cytogenetic location: 3p25.2.
Variant type: single nucleotide variant.
Coding change: c.923C>T on transcript NM_002880.4 (MANE Select); coding-DNA position 923, C replaced by T.
Protein change: p.Pro308Leu; replaces proline 308 with leucine.
Molecular consequence: missense variant. On other transcripts: non-coding transcript variant (3).
Genome position (GRCh38, 1-based): chr3:12,600,219, G>A on the plus strand (C>T on the coding strand, the complement: RAF1 is on the minus strand). VCF-style: chr3-12600219-G-A. GRCh37 (hg19) VCF-style: chr3-12641718-G-A.
Other names: NM_002880.3(RAF1):c.923C>T; c.983C>T, p.Pro328Leu (NM_001354689.3); c.923C>T, p.Pro308Leu (NM_001354690.3); c.680C>T, p.Pro227Leu (NM_001354691.3, NM_001354692.3); c.824C>T, p.Pro275Leu (NM_001354693.3); c.740C>T, p.Pro247Leu (NM_001354694.3); c.581C>T, p.Pro194Leu (NM_001354695.3); short protein forms P308L, P328L, P275L, P227L, P194L, P247L.
Identifiers: ClinVar variation 40611 (VCV000040611.41), dbSNP rs5746220, ClinGen allele CA134762.